The following continues an entry in ClinVar:

NM_000543.5(SMPD1):c.1267C>T (p.His423Tyr)

Gene: SMPD1. ClinVar aggregate classification (germline): Pathogenic. Pathogenic (15).

Submissions 12 to 19 of 19:

Broad Center for Mendelian Genomics, Broad Institute of MIT and Harvard
Classification: Pathogenic for Sphingomyelin/cholesterol lipidosis. Last evaluated: 2020-01-22. Review status: criteria provided, single submitter. Criteria: ACMG Guidelines, 2015. Collection method: curation. Allele origin: germline. Inheritance: Autosomal recessive inheritance.
Comment: The p.His423Tyr variant in SMPD1 (also known as p.His421Tyr due to a difference in cDNA numbering) has been reported in at least 13 individuals with Niemann-Pick disease (PMID: 12369017, 27338287, 26981555, 17876723) and has been identified in 0.002% (1/66538) of European (non-Finnish) chromosomes by the Exome Aggregation Consortium (ExAC; dbSNP rs120074126). Although this variant has been seen in the general population, its frequency is low enough to be consistent with a recessive carrier frequency. This variant has also been reported in ClinVar (VariationID: 2992) as likely pathogenic by Invitae and as pathogenic by Counsyl, EGL Genetic Diagnostics, OMIM and GeneReviews. In vitro functional studies provide some evidence that the p.His423Tyr variant may impact protein function (PMID: 18815062). However, these types of assays may not accurately represent biological function. Computational prediction tools and conservation analyses suggest that this variant may impact the protein, though this information is not predictive enough to determine pathogenicity. The presence of this variant in at least 12 affected homozygotes and with another pathogenic variant in an affected individual increases the likelihood that the p.His423 variant is pathogenic (VariationID: 188840; PMID: 12369017, 27338287, 26981555, 17876723). The phenotype of an individual homozygous for this variant is highly specific for Niemann-Pick disease based on acid sphingomyelinase activity being <10% of normal, consistent with disease (PMID: 27338287, 17876723). The p.His423Tyr variant is located in a region of SMPD1 that is essential to protein folding and stability, suggesting that this variant is in a functional domain and supports pathogenicity (PMID: 12369017, 18815062). In summary, this variant meets criteria to be classified as pathogenic for Niemann-Pick disease in an autosomal recessive manner based on functional studies, its location in an active site and zinc binding site, its presence in affected homozygotes, and its presence in patients with a phenotype highly specific for disease. ACMG/AMP Criteria applied: PS3, PM2, PM1, PM3, PP3, PP4 (Richards 2015).

Eurofins Ntd Llc (ga)
Classification: Pathogenic. Last evaluated: 2016-12-09. Review status: criteria provided, single submitter. Criteria: EGL Classification Definitions 2015. Collection method: clinical testing. Allele origin: germline. Observed: 12 variant alleles, 6 heterozygotes, 6 homozygotes.

Pathology and Clinical Laboratory Medicine, King Fahad Medical City
Classification: Pathogenic for Niemann-Pick disease, type B. Review status: criteria provided, single submitter. Criteria: ACMG Guidelines, 2015. Collection method: clinical testing. Allele origin: germline. Affected: yes.
Comment: Enzyme deficiency

Pathology and Clinical Laboratory Medicine, King Fahad Medical City
Classification: Pathogenic for Niemann-Pick disease, type A. Review status: criteria provided, single submitter. Criteria: ACMG Guidelines, 2015. Collection method: clinical testing. Allele origin: germline. Affected: yes.
Comment: the same text as in the submission from Pathology and Clinical Laboratory Medicine, King Fahad Medical City above.

Counsyl
Classification: Pathogenic for Niemann-Pick disease, type B. Last evaluated: 2016-10-26. Review status: no assertion criteria provided. Collection method: clinical testing. Allele origin: unknown. Not counted in ClinVar's aggregate classification.

OMIM
Classification: Pathogenic for NIEMANN-PICK DISEASE, TYPE B. Last evaluated: 2002-12-01. Review status: no assertion criteria provided. Collection method: literature only. Allele origin: germline. Not counted in ClinVar's aggregate classification.

GeneReviews
No classification provided. Condition: Sphingomyelin/cholesterol lipidosis. Review status: no classification provided. Collection method: literature only. Allele origin: germline. Not counted in ClinVar's aggregate classification.
Comment: Found most commonly in persons from Saudi Arabia. Leads to early-onset severe form of Niemann-Pick disease type-A

Hong-Tao Li Lab, Institute of Brain Science and Brain-inspired Research, Shandong First Medical University & Shandong Academy of Medical Sciences China
Classification: Pathogenic for Niemann-Pick disease, type A. Review status: no assertion criteria provided. Collection method: research. Allele origin: germline. Inheritance: Autosomal recessive inheritance. Affected: yes. Observed: 1 variant allele, 1 heterozygote. Not counted in ClinVar's aggregate classification.
Comment: Observed in affected individuals from a Pakistani neurodevelopmental-disorder research cohort of 263 individuals. Classification assigned using the ACMG/AMP framework.

Literature cited by the submitters: PubMed 36333862 (cited by Natera, Inc.); PubMed 27338287 (cited by 5 submitters); PubMed 26981555 (cited by 3 submitters); PubMed 12369017 (cited by 6 submitters); PubMed 17876723 (cited by 4 submitters); PubMed 28600779 (cited by Labcorp Genetics (formerly Invitae), Labcorp and Women's Health and Genetics/Laboratory Corporation of America, LabCorp); PubMed 16434659 (cited by Labcorp Genetics (formerly Invitae), Labcorp); PubMed 18815062 (cited by 3 submitters).